The following is an entry in ClinVar:

NM_003504.5(CDC45):c.519G>T (p.Gln173His)

Gene: CDC45 (cell division cycle 45; plus strand). Cytogenetic location: 22q11.21.
Variant type: single nucleotide variant.
Coding change: c.519G>T on transcript NM_003504.5 (MANE Select); coding-DNA position 519, G replaced by T.
Protein change: p.Gln173His; replaces glutamine 173 with histidine.
Molecular consequence: missense variant. On other transcripts: non-coding transcript variant (1).
Genome position (GRCh38, 1-based): chr22:19,494,359, G>T. VCF-style: chr22-19494359-G-T. GRCh37 (hg19) VCF-style: chr22-19481882-G-T.
Other names: c.519G>T, p.Gln173His (NM_001178010.2); c.381G>T, p.Gln127His (NM_001178011.2); c.483G>T, p.Gln161His (NM_001369291.1); short protein forms Q127H, Q173H, Q161H.
Identifiers: ClinVar variation 2062400 (VCV002062400.4), dbSNP rs2517605061, ClinGen allele CA410664420.

ClinVar aggregate classification (germline): Uncertain significance (1 of 4 stars; one submission).

Submission:

Labcorp Genetics (formerly Invitae), Labcorp
Classification: Uncertain significance. Last evaluated: 2022-07-06. Review status: criteria provided, single submitter. Criteria: Invitae Variant Classification Sherloc (09022015). Collection method: clinical testing. Allele origin: germline.
Comment: In summary, the available evidence is currently insufficient to determine the role of this variant in disease. Therefore, it has been classified as a Variant of Uncertain Significance. Algorithms developed to predict the effect of missense changes on protein structure and function are either unavailable or do not agree on the potential impact of this missense change (SIFT: "Deleterious"; PolyPhen-2: "Possibly Damaging"; Align-GVGD: "Class C0"). This variant has not been reported in the literature in individuals affected with CDC45-related conditions. This variant is not present in population databases (gnomAD no frequency). This sequence change replaces glutamine, which is neutral and polar, with histidine, which is basic and polar, at codon 173 of the CDC45 protein (p.Gln173His).